The following is an entry in ClinVar:

ClinVar aggregate classification (germline): Pathogenic (1 of 4 stars; one submission).

Submission:

Labcorp Genetics (formerly Invitae), Labcorp
Classification: Pathogenic. Last evaluated: 2024-06-23. Review status: criteria provided, single submitter. Criteria: Invitae Variant Classification Sherloc (09022015). Collection method: clinical testing. Allele origin: germline.
Comment: This sequence change creates a premature translational stop signal (p.Ser1562Profs*62) in the C2CD3 gene. It is expected to result in an absent or disrupted protein product. Loss-of-function variants in C2CD3 are known to be pathogenic (PMID: 24997988, 26477546). This variant is present in population databases (no rsID available, gnomAD 0.003%). This variant has not been reported in the literature in individuals affected with C2CD3-related conditions. ClinVar contains an entry for this variant (Variation ID: 1954802). For these reasons, this variant has been classified as Pathogenic.

Literature cited by the submitters: PubMed 24997988; PubMed 26477546.

NM_001286577.2(C2CD3):c.4684del (p.Ser1562fs)

Gene: C2CD3 (C2 domain containing 3 centriole elongation regulator; minus strand). Cytogenetic location: 11q13.4.
Variant type: Deletion.
Coding change: c.4684del on transcript NM_001286577.2 (MANE Select); coding-DNA position 4684, one base deleted (T; older notation c.4684delT).
Protein change: p.Ser1562fs; shifts the reading frame from serine 1562.
Molecular consequence: frameshift variant.
Genome position (GRCh38, 1-based): chr11:74,074,520, A deleted on the plus strand (T on the coding strand, the reverse complement: C2CD3 is on the minus strand); the first of 3 consecutive A bases (chr11:74,074,520-74,074,522); deleting any one gives the same sequence. VCF-style (leftmost placement, unchanged base first): chr11-74074519-GA-G. GRCh37 (hg19) VCF-style: chr11-73785564-GA-G.
Other names: c.4684del, p.Ser1562fs (NM_015531.6); short protein forms S1562fs.
Identifiers: ClinVar variation 1954802 (VCV001954802.5), dbSNP rs1269233569, ClinGen allele CA600245141.